The following is an entry in ClinVar:

ClinVar aggregate classification (germline): Uncertain significance (1 of 4 stars; one submission).

Conditions:
Nemaline myopathy 2 (NEM2). Also called: Nemaline myopathy 2, autosomal recessive. Identifiers: MedGen C1850569, MONDO:0009725, OMIM 256030.

Submission:

Labcorp Genetics (formerly Invitae), Labcorp
Classification: Uncertain significance for Nemaline myopathy 2. Last evaluated: 2021-12-07. Review status: criteria provided, single submitter. Criteria: Invitae Variant Classification Sherloc (09022015). Collection method: clinical testing. Allele origin: germline.
Comment: This variant, c.19624_19625insGTA, is a complex sequence change that results in the deletion of 1 and insertion of 2 amino acid(s) in the NEB protein (p.Asp6542delinsGlyAsn). This variant is not present in population databases (gnomAD no frequency). This variant has not been reported in the literature in individuals affected with NEB-related conditions. Algorithms developed to predict the effect of sequence changes on RNA splicing suggest that this variant may create or strengthen a splice site. In summary, the available evidence is currently insufficient to determine the role of this variant in disease. Therefore, it has been classified as a Variant of Uncertain Significance.

NM_001164508.2(NEB):c.19624_19625insGTA (p.Asp6542delinsGlyAsn)

Genes: NEB (nebulin; minus strand), LOC126806373 (BRD4-independent group 4 enhancer GRCh37_chr2:152410007-152411206; plus strand). Cytogenetic location: 2q23.3.
Variant type: Insertion.
Coding change: c.19624_19625insGTA on transcript NM_001164508.2 (MANE Select); coding-DNA positions 19624 to 19625, GTA inserted.
Protein change: p.Asp6542delinsGlyAsn.
Molecular consequence: inframe indel.
Genome position: GRCh38 VCF-style: chr2-151553829-T-TTAC. GRCh37 (hg19) VCF-style: chr2-152410343-T-TTAC.
Other names: c.19624_19625insGTA, p.Asp6542delinsGlyAsn (NM_001164507.2, NM_001271208.2); c.14521_14522insGTA, p.Asp4841delinsGlyAsn (NM_004543.5).
Identifiers: ClinVar variation 1400787 (VCV001400787.6), dbSNP rs2153659819, ClinGen allele CA2573133354.